The following is an entry in ClinVar:

NM_001039348.3(EFEMP1):c.119A>C (p.Gln40Pro)

Gene: EFEMP1 (EGF-like fibulin extracellular matrix protein 1; minus strand). Cytogenetic location: 2p16.1.
Variant type: single nucleotide variant.
Coding change: c.119A>C on transcript NM_001039348.3 (MANE Select); coding-DNA position 119, A replaced by C.
Protein change: p.Gln40Pro; replaces glutamine 40 with proline.
Molecular consequence: missense variant.
Genome position (GRCh38, 1-based): chr2:55,918,230, T>G on the plus strand (A>C on the coding strand, the complement: EFEMP1 is on the minus strand). VCF-style: chr2-55918230-T-G. GRCh37 (hg19) VCF-style: chr2-56145365-T-G.
Other names: c.119A>C, p.Gln40Pro (NM_001039349.3); short protein forms Q40P.
Identifiers: ClinVar variation 5010038 (VCV005010038.1).
Genomic context (GRCh38, chr2:55,918,230, plus strand): 5'-ATGGAGACAGAAGGCAATGATCACATGGAAGTCTTTGAAGCTGGCTCACCTTTGCATTGC[T>G]GTCTCACAGGATCCCACTCATATCCGTCAGTGCATTGCTGTGAAGAAAACATCAAAGGTG-3'
Protein context (NP_001034437.1, residues 30-50): TDGYEWDPVR[Gln40Pro]QCKDIDECDI

ClinVar aggregate classification (germline): Uncertain significance (1 of 4 stars; one submission).

Submission:

GeneDx
Classification: Uncertain significance. Last evaluated: 2026-02-23. Review status: criteria provided, single submitter. Criteria: GeneDx Variant Classification Process June 2021. Collection method: clinical testing. Allele origin: germline.
Comment: Not observed at significant frequency in large population cohorts (gnomAD); In silico analysis supports that this missense variant has a deleterious effect on protein structure/function; Has not been previously published as pathogenic or benign to our knowledge.